The following is an entry in ClinVar:

NM_000465.4(BARD1):c.196T>C (p.Cys66Arg)

Gene: BARD1 (BRCA1 associated RING domain 1; minus strand). Cytogenetic location: 2q35.
Variant type: single nucleotide variant.
Coding change: c.196T>C on transcript NM_000465.4 (MANE Select); coding-DNA position 196, T replaced by C.
Protein change: p.Cys66Arg; replaces cysteine 66 with arginine.
Molecular consequence: missense variant. On other transcripts: non-coding transcript variant (2), intron variant (2).
Genome position (GRCh38, 1-based): chr2:214,797,080, A>G on the plus strand (T>C on the coding strand, the complement: BARD1 is on the minus strand). VCF-style: chr2-214797080-A-G. GRCh37 (hg19) VCF-style: chr2-215661804-A-G.
Other names: c.196T>C, p.Cys66Arg (NM_001282545.2, NM_001282549.2); c.158+12332T>C (NM_001282548.2); c.159-4635T>C (NM_001282543.2); short protein forms C66R.
Identifiers: ClinVar variation 820441 (VCV000820441.4), dbSNP rs1574847280, ClinGen allele CA350462205.

ClinVar aggregate classification (germline): Uncertain significance (1 of 4 stars; one submission).

Conditions:
Hereditary cancer-predisposing syndrome. Also called: Neoplastic Syndromes, Hereditary; Tumor predisposition; Hereditary Cancer Syndrome; Hereditary neoplastic syndrome. Identifiers: Orphanet 140162, MedGen C0027672, MeSH D009386, MONDO:0015356.

Submission:

Ambry Genetics
Classification: Uncertain significance for Hereditary cancer-predisposing syndrome. Last evaluated: 2020-12-21. Review status: criteria provided, single submitter. Criteria: Ambry Variant Classification Scheme 2023. Collection method: clinical testing. Allele origin: germline.
Comment: The p.C66R variant (also known as c.196T>C), located in coding exon 2 of the BARD1 gene, results from a T to C substitution at nucleotide position 196. The cysteine at codon 66 is replaced by arginine, an amino acid with highly dissimilar properties. This amino acid position is highly conserved in available vertebrate species. In addition, this alteration is predicted to be deleterious by in silico analysis. Since supporting evidence is limited at this time, the clinical significance of this alteration remains unclear.